The following is an entry in ClinVar:

ClinVar aggregate classification (germline): Likely benign. Review status: criteria provided, multiple submitters, no conflicts (2 of 4 stars). 3 submissions from 3 submitters: Likely benign (2). 1 of the submissions does not count toward it. Last evaluated 2018-01-13.

Conditions:
Hecht syndrome (DA7). Also called: MOUTH, INABILITY TO OPEN COMPLETELY, AND SHORT FINGER-FLEXOR TENDONS; Dutch-Kentucky syndrome. Identifiers: Orphanet 3377, MedGen C0265226, MONDO:0008016, OMIM 158300. Disease mechanism: gain of function.
MYH8-related disorder. Also called: MYH8-related condition.

Allele frequency attached by ClinVar (database versions not stated): gnomAD exomes 0.00015 and 0.00067; gnomAD 0.00020 and 0.00026; TOPMed 0.00041; ExAC 0.00054; 1000 Genomes Project 0.00120.
gnomAD v4.1: 275 of 1,614,140 alleles (0.017%); highest among the groups gnomAD compares: East Asian, 0.5%; 1 homozygote.

Submissions (3):

Illumina Laboratory Services, Illumina
Classification: Likely benign for Hecht syndrome. Last evaluated: 2018-01-13. Review status: criteria provided, single submitter. Criteria: ICSL Variant Classification Criteria 13 December 2019. Collection method: clinical testing. Allele origin: germline.
Comment: This variant was observed in the ICSL laboratory as part of a predisposition screen in an ostensibly healthy population. It had not been previously curated by ICSL or reported in the Human Gene Mutation Database (HGMD: prior to June 1st, 2018), and was therefore a candidate for classification through an automated scoring system. Utilizing variant allele frequency, disease prevalence and penetrance estimates, and inheritance mode, an automated score was calculated to assess if this variant is too frequent to cause the disease. Based on the score and internal cut-off values, a variant classified as likely benign is not then subjected to further curation. The score for this variant resulted in a classification of likely benign for this disease.

Breakthrough Genomics
Classification: Likely benign. Review status: criteria provided, single submitter. Criteria: ACMG Guidelines, 2015. Collection method: not provided. Allele origin: germline. Inheritance: Autosomal dominant inheritance. Affected: yes.

PreventionGenetics, part of Exact Sciences
Classification: Benign for MYH8-related condition. Last evaluated: 2019-08-15. Review status: no assertion criteria provided. Collection method: clinical testing. Allele origin: germline. Not counted in ClinVar's aggregate classification.
Comment: This variant is classified as benign based on ACMG/AMP sequence variant interpretation guidelines (Richards et al. 2015 PMID: 25741868, with internal and published modifications).

NM_002472.3(MYH8):c.2117G>A (p.Arg706His)

Genes: MYHAS (myosin heavy chain gene cluster antisense RNA; plus strand), MYH8 (myosin heavy chain 8; minus strand). Cytogenetic location: 17p13.1.
Variant type: single nucleotide variant.
Coding change: c.2117G>A on transcript NM_002472.3 (MANE Select); coding-DNA position 2117, G replaced by A.
Protein change: p.Arg706His; replaces arginine 706 with histidine.
Molecular consequence: missense variant.
Genome position (GRCh38, 1-based): chr17:10,406,744, C>T on the plus strand (G>A on the coding strand, the complement: MYH8 is on the minus strand). VCF-style: chr17-10406744-C-T. GRCh37 (hg19) VCF-style: chr17-10310061-C-T.
Other names: short protein forms R706H.
Identifiers: ClinVar variation 321643 (VCV000321643.8), dbSNP rs150351713, ClinGen allele CA8387857.